The following is an entry in ClinVar:

NM_001868.4(CPA1):c.949G>A (p.Gly317Ser)

Gene: CPA1 (carboxypeptidase A1; plus strand). Cytogenetic location: 7q32.2.
Variant type: single nucleotide variant.
Coding change: c.949G>A on transcript NM_001868.4 (MANE Select); coding-DNA position 949, G replaced by A.
Protein change: p.Gly317Ser; replaces glycine 317 with serine.
Molecular consequence: missense variant.
Genome position (GRCh38, 1-based): chr7:130,385,307, G>A. VCF-style: chr7-130385307-G-A. GRCh37 (hg19) VCF-style: chr7-130025148-G-A.
Other names: short protein forms G317S.
Identifiers: ClinVar variation 3221853 (VCV003221853.1), dbSNP rs2536012399, ClinGen allele CA369283869.

ClinVar aggregate classification (germline): Uncertain significance (1 of 4 stars; one submission).

Conditions:
Hereditary pancreatitis (PCTT). Also called: Hereditary chronic pancreatitis; PRSS1-Related Hereditary Pancreatitis. Identifiers: Orphanet 676, MedGen C0238339, MONDO:0008185, OMIM 167800.

Allele frequency attached by ClinVar (database versions not stated): gnomAD exomes below 0.00001.
gnomAD v4.1: 2 of 1,614,190 alleles (0.00012%); highest among the groups gnomAD compares: East Asian, 0.0045%; no homozygotes.

Submission:

Ambry Genetics
Classification: Uncertain significance for Hereditary pancreatitis. Last evaluated: 2024-03-03. Review status: criteria provided, single submitter. Criteria: Ambry Variant Classification Scheme 2023. Collection method: clinical testing. Allele origin: germline.
Comment: The p.G317S variant (also known as c.949G>A), located in coding exon 8 of the CPA1 gene, results from a G to A substitution at nucleotide position 949. The glycine at codon 317 is replaced by serine, an amino acid with similar properties. This amino acid position is conserved. In addition, the in silico prediction for this alteration is inconclusive. Based on the available evidence, the clinical significance of this alteration remains unclear.